The following is an entry in ClinVar:

NM_018344.6(SLC29A3):c.337G>A (p.Val113Met)

Genes: SLC29A3 (solute carrier family 29 member 3; plus strand), LOC105378353 (uncharacterized LOC105378353; minus strand). Cytogenetic location: 10q22.1.
Variant type: single nucleotide variant.
Coding change: c.337G>A on transcript NM_018344.6 (MANE Select); coding-DNA position 337, G replaced by A.
Protein change: p.Val113Met; replaces valine 113 with methionine.
Molecular consequence: missense variant.
Genome position (GRCh38, 1-based): chr10:71,344,245, G>A. VCF-style: chr10-71344245-G-A. GRCh37 (hg19) VCF-style: chr10-73104002-G-A.
Other names: c.337G>A, p.Val113Met (NM_001174098.2); c.103G>A, p.Val35Met (NM_001363518.2); short protein forms V113M, V35M.
Identifiers: ClinVar variation 571597 (VCV000571597.10), dbSNP rs180984559, ClinGen allele CA5542898.

ClinVar aggregate classification (germline): Uncertain significance. Review status: criteria provided, multiple submitters, no conflicts (2 of 4 stars). 4 submissions from 4 submitters: Uncertain significance (4). Last evaluated 2026-04-12.

Conditions:
H syndrome. Also called: Pigmented hypertrichosis and insulin-dependent diabetes mellitus; Asrar Facharzt Haque syndrome; FAISALABAD HISTIOCYTOSIS; HISTIOCYTOSIS AND LYMPHADENOPATHY WITH OR WITHOUT CUTANEOUS, CARDIAC, AND/OR ENDOCRINE FEATURES, JOINT CONTRACTURES, AND/OR DEAFNESS; HYPERPIGMENTATION, CUTANEOUS, WITH HYPERTRICHOSIS, HEPATOSPLENOMEGALY, HEART ANOMALIES, AND HYPOGONADISM WITH OR WITHOUT HEARING LOSS; PIGMENTED HYPERTRICHOSIS WITH INSULIN-DEPENDENT DIABETES MELLITUS. Identifiers: Orphanet 168569, MedGen C1864445, MONDO:0011273, OMIM 602782.
SLC29A3-related disorder. Also called: SLC29A3-related condition.
Inborn genetic diseases. Identifiers: MedGen C0950123, MeSH D030342.

Allele frequency attached by ClinVar (database versions not stated): 1000 Genomes Project 30x 0.00031; 1000 Genomes Project 0.00040; gnomAD 0.00004 and 0.00005; TOPMed 0.00005; ExAC 0.00008; gnomAD exomes 0.00008 and 0.00011.
gnomAD v4.1: 120 of 1,614,058 alleles (0.0074%); highest among the groups gnomAD compares: East Asian, 0.11%; no homozygotes.

Submissions (4):

PreventionGenetics, part of Exact Sciences
Classification: Uncertain significance for SLC29A3-related condition. Last evaluated: 2026-04-12. Review status: criteria provided, single submitter. Criteria: ACMG Guidelines, 2015. Collection method: clinical testing. Allele origin: germline.
Comment: The SLC29A3 c.337G>A variant is predicted to result in the amino acid substitution p.Val113Met. To our knowledge, this variant has not been reported in the literature. This variant is reported in 0.11% of alleles in individuals of East Asian descent in gnomAD. Although we suspect that this variant may be benign, at this time, the clinical significance of this variant is uncertain due to the absence of conclusive functional and genetic evidence.

Ambry Genetics
Classification: Uncertain significance for Inborn genetic diseases. Last evaluated: 2024-08-28. Review status: criteria provided, single submitter. Criteria: Ambry Variant Classification Scheme 2023. Collection method: clinical testing. Allele origin: germline.

Labcorp Genetics (formerly Invitae), Labcorp
Classification: Uncertain significance for H syndrome. Last evaluated: 2022-08-23. Review status: criteria provided, single submitter. Criteria: Invitae Variant Classification Sherloc (09022015). Collection method: clinical testing. Allele origin: germline.
Comment: This sequence change replaces valine, which is neutral and non-polar, with methionine, which is neutral and non-polar, at codon 113 of the SLC29A3 protein (p.Val113Met). This variant is present in population databases (rs180984559, gnomAD 0.1%). This variant has not been reported in the literature in individuals affected with SLC29A3-related conditions. ClinVar contains an entry for this variant (Variation ID: 571597). Algorithms developed to predict the effect of missense changes on protein structure and function are either unavailable or do not agree on the potential impact of this missense change (SIFT: "Deleterious"; PolyPhen-2: "Probably Damaging"; Align-GVGD: "Class C0"). In summary, the available evidence is currently insufficient to determine the role of this variant in disease. Therefore, it has been classified as a Variant of Uncertain Significance.

Illumina Laboratory Services, Illumina
Classification: Uncertain significance for H syndrome. Last evaluated: 2018-01-12. Review status: criteria provided, single submitter. Criteria: ICSL Variant Classification Criteria 13 December 2019. Collection method: clinical testing. Allele origin: germline.